The following is an entry in ClinVar:

NM_000441.2(SLC26A4):c.1579A>C (p.Thr527Pro)

Gene: SLC26A4 (solute carrier family 26 member 4; plus strand). Cytogenetic location: 7q22.3.
Variant type: single nucleotide variant.
Coding change: c.1579A>C on transcript NM_000441.2 (MANE Select); coding-DNA position 1579, A replaced by C.
Protein change: p.Thr527Pro; replaces threonine 527 with proline.
Molecular consequence: missense variant.
Genome position (GRCh38, 1-based): chr7:107,698,076, A>C. VCF-style: chr7-107698076-A-C. GRCh37 (hg19) VCF-style: chr7-107338521-A-C.
Other names: short protein forms T527P.
Identifiers: ClinVar variation 446454 (VCV000446454.10), dbSNP rs1554360358, ClinGen allele CA368841594.

ClinVar aggregate classification (germline): Pathogenic/Likely pathogenic. Review status: criteria provided, multiple submitters, no conflicts (2 of 4 stars). 7 submissions from 6 submitters: Pathogenic (3); Likely pathogenic (2). 2 of the submissions do not count toward it. Last evaluated 2024-05-16.

Conditions:
Autosomal recessive nonsyndromic hearing loss 4 (DFNB4). Also called: NEUROSENSORY NONSYNDROMIC RECESSIVE DEAFNESS 4; Enlarged vestibular aqueduct, digenic; DEAFNESS, AUTOSOMAL RECESSIVE 4, WITH ENLARGED VESTIBULAR AQUEDUCT, DIGENIC; FOXI1-Related Pendred Syndrome; KCNJ10-Related Pendred Syndrome; Nonsyndromic enlarged vestibular aqueduct (NSEVA). Identifiers: Orphanet 90636, MedGen C3538946, MONDO:0010933, OMIM 600791.
Pendred syndrome (PDS). Also called: DEAFNESS WITH GOITER; GOITER-DEAFNESS SYNDROME; HYPOTHYROIDISM, CONGENITAL, DUE TO DYSHORMONOGENESIS, 2B; Pendred Syndrome (PDS); THYROID DYSHORMONOGENESIS 2B; THYROID HORMONOGENESIS, GENETIC DEFECT IN, 2B. Identifiers: Orphanet 705, MedGen C0271829, MONDO:0010134, OMIM 274600.

Allele frequency attached by ClinVar (database versions not stated): gnomAD exomes below 0.00001.
gnomAD v4.1: 6 of 1,610,576 alleles (0.00037%); highest among the groups gnomAD compares: East Asian, 0.011%; no homozygotes.

Submissions (7):

Natera, Inc.
Classification: Pathogenic for Pendred syndrome. Last evaluated: 2024-05-16. Review status: criteria provided, single submitter. Criteria: Natera Variant Classification Schema (03/2026). Collection method: clinical testing. Allele origin: germline.
Comment: The c.1579A>C variant in SLC26A4 is a missense variant predicted to cause substitution of threonine to proline at amino acid 527. This variant is rare in the general population with a frequency below the threshold expected for the associated phenotype(s). This variant has been observed in one or more individuals affected with the associated recessive disease, as either homozygous or compound heterozygous with a second variant (PMID: 20583162, 23705809, 31427586, 24105851). Computational prediction algorithms indicate this variant is likely to affect gene or protein function. Given the available evidence, this variant is classified as Pathogenic.

Baylor Genetics
Classification: Pathogenic for Autosomal recessive nonsyndromic hearing loss 4. Last evaluated: 2023-11-17. Review status: criteria provided, single submitter. Criteria: ACMG Guidelines, 2015. Collection method: clinical testing. Allele origin: unknown.

Genome-Nilou Lab
Classification: Likely pathogenic for Autosomal recessive nonsyndromic hearing loss 4. Last evaluated: 2021-09-05. Review status: criteria provided, single submitter. Criteria: ACMG Guidelines, 2015. Collection method: clinical testing. Allele origin: germline. Affected: no.

Genome-Nilou Lab
Classification: Likely pathogenic for Pendred syndrome. Last evaluated: 2021-09-05. Review status: criteria provided, single submitter. Criteria: ACMG Guidelines, 2015. Collection method: clinical testing. Allele origin: germline. Affected: no.

Division of Hearing and Balance Research, National Hospital Organization Tokyo Medical Center
Classification: Pathogenic for Autosomal recessive nonsyndromic hearing loss 4. Last evaluated: 2017-07-01. Review status: criteria provided, single submitter. Criteria: Submitter's publication. Collection method: clinical testing. Allele origin: germline. Affected: yes. Observed: 4 variant alleles. Clinical features observed: Hearing impairment (HP:0000365).

National Institute of Sensory Organs, National Hospital Organization Tokyo Medical Center
Classification: Affects for Autosomal recessive nonsyndromic hearing loss 4. Last evaluated: 2019-08-20. Review status: no assertion criteria provided. Collection method: clinical testing, in vitro. Allele origin: inherited, germline. Inheritance: Autosomal recessive inheritance. Affected: yes. Functional consequence: loss_of_function_variant. Not counted in ClinVar's aggregate classification.
Comment: in vitro experiment

Counsyl
Classification: Likely pathogenic for Pendred syndrome. Last evaluated: 2017-07-24. Review status: no assertion criteria provided. Collection method: clinical testing. Allele origin: unknown. Not counted in ClinVar's aggregate classification.

Literature cited by the submitters: PubMed 20583162 (cited by 3 submitters); PubMed 23705809 (cited by 3 submitters); PubMed 31427586 (cited by Natera, Inc.); PubMed 24105851 (cited by Natera, Inc. and Counsyl); PubMed 17851929 (cited by National Institute of Sensory Organs, National Hospital Organization Tokyo Medical Center); PubMed 24599119 (cited by National Institute of Sensory Organs, National Hospital Organization Tokyo Medical Center and Counsyl); PubMed 31599023 (cited by National Institute of Sensory Organs, National Hospital Organization Tokyo Medical Center); PubMed 25788563 (cited by Counsyl).